The following is an entry in ClinVar:

NM_001184.4(ATR):c.6722C>T (p.Thr2241Ile)

Gene: ATR (ATR serine/threonine kinase; minus strand). Cytogenetic location: 3q23.
Variant type: single nucleotide variant.
Coding change: c.6722C>T on transcript NM_001184.4 (MANE Select); coding-DNA position 6722, C replaced by T.
Protein change: p.Thr2241Ile; replaces threonine 2241 with isoleucine.
Molecular consequence: missense variant.
Genome position (GRCh38, 1-based): chr3:142,466,499, G>A on the plus strand (C>T on the coding strand, the complement: ATR is on the minus strand). VCF-style: chr3-142466499-G-A. GRCh37 (hg19) VCF-style: chr3-142185341-G-A.
Other names: c.6530C>T, p.Thr2177Ile (NM_001354579.2); short protein forms T2177I, T2241I.
Identifiers: ClinVar variation 3463349 (VCV003463349.1).

ClinVar aggregate classification (germline): Uncertain significance (1 of 4 stars; one submission).

Conditions:
Inborn genetic diseases. Identifiers: MedGen C0950123, MeSH D030342.

gnomAD v4.1: 4 of 1,613,738 alleles (0.00025%); highest among the groups gnomAD compares: Non-Finnish European, 0.00034%; no homozygotes.

Submission:

Ambry Genetics
Classification: Uncertain significance for Inborn genetic diseases. Last evaluated: 2024-11-02. Review status: criteria provided, single submitter. Criteria: Ambry Variant Classification Scheme 2023. Collection method: clinical testing. Allele origin: germline.
Comment: The p.T2241I variant (also known as c.6722C>T), located in coding exon 40 of the ATR gene, results from a C to T substitution at nucleotide position 6722. The threonine at codon 2241 is replaced by isoleucine, an amino acid with similar properties. This amino acid position is conserved. In addition, this alteration is predicted to be tolerated by in silico analysis. Based on the available evidence, the clinical significance of this variant remains unclear.